The following is an entry in ClinVar:

NM_000542.5(SFTPB):c.812G>A (p.Cys271Tyr)

Gene: SFTPB (surfactant protein B; minus strand). Cytogenetic location: 2p11.2.
Variant type: single nucleotide variant.
Coding change: c.812G>A on transcript NM_000542.5 (MANE Select); coding-DNA position 812, G replaced by A.
Protein change: p.Cys271Tyr; replaces cysteine 271 with tyrosine.
Molecular consequence: missense variant.
Genome position (GRCh38, 1-based): chr2:85,663,708, C>T on the plus strand (G>A on the coding strand, the complement: SFTPB is on the minus strand). VCF-style: chr2-85663708-C-T. GRCh37 (hg19) VCF-style: chr2-85890831-C-T.
Other names: c.812G>A, p.Cys271Tyr (NM_001367281.2, NM_198843.4); short protein forms C271Y.
Identifiers: ClinVar variation 4741402 (VCV004741402.1).

ClinVar aggregate classification (germline): Uncertain significance (1 of 4 stars; one submission).

Submission:

Labcorp Genetics (formerly Invitae), Labcorp
Classification: Uncertain significance. Last evaluated: 2025-06-15. Review status: criteria provided, single submitter. Criteria: Invitae Variant Classification Sherloc (09022015). Collection method: clinical testing. Allele origin: germline.
Comment: This sequence change replaces cysteine, which is neutral and slightly polar, with tyrosine, which is neutral and polar, at codon 283 of the SFTPB protein (p.Cys283Tyr). This variant is not present in population databases (gnomAD no frequency). This variant has not been reported in the literature in individuals affected with SFTPB-related conditions. Invitae Evidence Modeling of protein sequence and biophysical properties (such as structural, functional, and spatial information, amino acid conservation, physicochemical variation, residue mobility, and thermodynamic stability) indicates that this missense variant is expected to disrupt SFTPB protein function with a positive predictive value of 80%. In summary, the available evidence is currently insufficient to determine the role of this variant in disease. Therefore, it has been classified as a Variant of Uncertain Significance.